The following is an entry in ClinVar:

NM_001035.3(RYR2):c.5716-6T>C

Gene: RYR2 (ryanodine receptor 2; plus strand). Cytogenetic location: 1q43.
Variant type: single nucleotide variant.
Coding change: c.5716-6T>C on transcript NM_001035.3 (MANE Select); 6 bases into the intron before coding-DNA position 5716, T replaced by C.
Molecular consequence: intron variant.
Genome position (GRCh38, 1-based): chr1:237,617,280, T>C. VCF-style: chr1-237617280-T-C. GRCh37 (hg19) VCF-style: chr1-237780580-T-C.
Identifiers: ClinVar variation 3385742 (VCV003385742.3).

ClinVar aggregate classification (germline): Likely benign. Review status: criteria provided, multiple submitters, no conflicts (2 of 4 stars). 2 submissions from 2 submitters: Likely benign (2). Last evaluated 2024-05-14.

Conditions:
Catecholaminergic polymorphic ventricular tachycardia (CVPT). Also called: Catecholamine-induced polymorphic ventricular tachycardia. Identifiers: Orphanet 3286, MedGen C5574922, MONDO:0017990.
Catecholaminergic polymorphic ventricular tachycardia 1. Also called: VENTRICULAR TACHYCARDIA, CATECHOLAMINERGIC POLYMORPHIC, 1, WITH OR WITHOUT ATRIAL DYSFUNCTION AND/OR DILATED CARDIOMYOPATHY; VENTRICULAR TACHYCARDIA, STRESS-INDUCED POLYMORPHIC 1; RYR2-Related Catecholaminergic Polymorphic Ventricular Tachycardia. Identifiers: Orphanet 3286, MedGen C1631597, MONDO:0011484, OMIM 604772.

gnomAD v4.1: 2 of 1,607,680 alleles (0.00012%); highest among the groups gnomAD compares: Non-Finnish European, 0.00017%; no homozygotes.

Submissions (2):

All of Us Research Program, National Institutes of Health
Classification: Likely benign for Catecholaminergic polymorphic ventricular tachycardia. Last evaluated: 2024-05-14. Review status: criteria provided, single submitter. Criteria: ACMG Guidelines, 2015. Collection method: clinical testing. Allele origin: germline. Inheritance: Autosomal dominant inheritance. Observed: 1 variant allele, 1 heterozygote.
Comment: This study involves interpretation of variants in research participants for the purpose of population health screening. Participant phenotype was not available at the time of variant classification. Additional details can be found in publication PMID: 35346344, PMCID: PMC8962531

Labcorp Genetics (formerly Invitae), Labcorp
Classification: Likely benign for Catecholaminergic polymorphic ventricular tachycardia 1. Last evaluated: 2024-04-20. Review status: criteria provided, single submitter. Criteria: Invitae Variant Classification Sherloc (09022015). Collection method: clinical testing. Allele origin: germline.